The following is an entry in ClinVar:

NM_001040142.2(SCN2A):c.1035-7A>G

Gene: SCN2A (sodium voltage-gated channel alpha subunit 2; plus strand). Cytogenetic location: 2q24.3.
Variant type: single nucleotide variant.
Coding change: c.1035-7A>G on transcript NM_001040142.2 (MANE Select); 7 bases into the intron before coding-DNA position 1035, A replaced by G.
Molecular consequence: intron variant.
Genome position (GRCh38, 1-based): chr2:165,313,613, A>G. VCF-style: chr2-165313613-A-G. GRCh37 (hg19) VCF-style: chr2-166170123-A-G.
Other names: c.1035-7A>G (NM_001040143.2, NM_001371246.1, NM_001371247.1 and 1 more transcripts).
Identifiers: ClinVar variation 1342712 (VCV001342712.5), dbSNP rs558800241, ClinGen allele CA2580064231.

ClinVar aggregate classification (germline): Uncertain significance. Review status: reviewed by expert panel (3 of 4 stars). 3 submissions from 3 submitters: Uncertain significance (1). 2 of the submissions do not count toward it. Last evaluated 2024-10-22.

Conditions:
Complex neurodevelopmental disorder. Identifiers: Orphanet 528084, MedGen C5568766, MONDO:0100038.
Developmental and epileptic encephalopathy, 11 (DEE11). Also called: Early infantile epileptic encephalopathy 11. Identifiers: Orphanet 1934, MedGen C3150987, MONDO:0013388, OMIM 613721.

Submissions (3):

ClinGen Epilepsy Sodium Channel Variant Curation Expert Panel, Clingen
Classification: Uncertain significance for Complex neurodevelopmental disorder. Last evaluated: 2024-10-22. Review status: reviewed by expert panel. Criteria: ClinGen EpilepsySCN ACMG Specifications SCN2A V1.0.0. Collection method: curation. Allele origin: germline. Inheritance: Autosomal dominant inheritance.
Comment: The c.1035-7A>G (NM_021007.3) variant in SCN2A is an intronic variant which is located in intron 8. The computational splicing predictor SpliceAI gives a score of [0.9] for acceptor loss and gain, predicting that the variant leads to the inclusion of 2 additional amino acids in exon 9 of SCN2A (PP3). This variant has been identified as a de novo occurrence with unconfirmed parental relationships in 1 individual with early infantile epileptic encephalopathy (PM6_Supporting; PMID 35711923). This variant is absent from gnomAD v4.1 (PM2_Supporting). A minigene assay in HEK293T cells showed that this variant activated a cryptic intronic acceptor site leading to the elongation of intron 8 by 6 nucleotides, with a protein effect of p.Gly345_Gln346insTyrSer. However, this assay does not meet the requirements for use by the ClinGen Epilepsy Sodium Channel VCEP (PS3_Not Met). In summary, this variant meets the criteria to be classified as a Variant of Uncertain Significance for early infantile epileptic encephalopathy based on the ACMG/AMP criteria applied, as specified by theClinGen Epilepsy Sodium Channel VCEP: PM6_Supporting, PM2_Supporting, PP3. (Epilepsy Sodium Channel VCEP specifications v1.0; approved 10/22/2024).

GeneDx
Classification: Pathogenic. Last evaluated: 2025-08-22. Review status: criteria provided, single submitter. Criteria: GeneDx Variant Classification Process June 2021. Collection method: clinical testing. Allele origin: germline. Affected: yes. Not counted in ClinVar's aggregate classification.
Comment: RNA studies demonstrate a damaging effect: variant shown to cause an alternate splice impact that is in-frame and extends exon 9 to include 2 novel amino acids (PMID: 35711923); In silico analysis supports a deleterious effect on splicing; Not observed at significant frequency in large population cohorts (gnomAD); This variant is associated with the following publications: (PMID: 35711923)

Research Centre for  Medical Genetics
Classification: Likely pathogenic for Developmental and epileptic encephalopathy, 11. Review status: no assertion criteria provided. Collection method: clinical testing. Allele origin: de novo. Inheritance: Autosomal dominant inheritance. Affected: yes. Observed: 1 heterozygote. Not counted in ClinVar's aggregate classification.
Comment: Functional analysis showed that the c.1035-7A>G variant activated a cryptic intronic acceptor site with elongation of intron 8 by 6 nucleotides - p.(Gly345_Gln346insTyrSer). This insertion of 2 amino acids affects the extracellular domain of NaV1.2 between S5 and S6 in repeat 1 where several pathogenic missense variants were previously described in patients with SCN2A-related epilepsy. Sanger sequencing was performed in the family and confirmed the de novo status of c.1035-7A>G variant